The following is an entry in ClinVar:

NM_053025.4(MYLK):c.2228C>A (p.Ala743Asp)

Gene: MYLK (myosin light chain kinase; minus strand). Cytogenetic location: 3q21.1.
Variant type: single nucleotide variant.
Coding change: c.2228C>A on transcript NM_053025.4 (MANE Select); coding-DNA position 2228, C replaced by A.
Protein change: p.Ala743Asp; replaces alanine 743 with aspartic acid.
Molecular consequence: missense variant.
Genome position (GRCh38, 1-based): chr3:123,707,916, G>T on the plus strand (C>A on the coding strand, the complement: MYLK is on the minus strand). VCF-style: chr3-123707916-G-T. GRCh37 (hg19) VCF-style: chr3-123426763-G-T.
Other names: c.1700C>A, p.Ala567Asp (NM_001321309.2); c.2021C>A, p.Ala674Asp (NM_053026.4, NM_053028.4); c.2228C>A, p.Ala743Asp (NM_053027.4); short protein forms A567D, A674D, A743D.
Identifiers: ClinVar variation 2698470 (VCV002698470.3), dbSNP rs2474288847, ClinGen allele CA354233998.

ClinVar aggregate classification (germline): Uncertain significance (1 of 4 stars; one submission).

Conditions:
Aortic aneurysm, familial thoracic 7 (AAT7). Also called: AORTIC DISSECTION, FAMILIAL, WITH OR WITHOUT AORTIC ANEURYSM. Identifiers: MedGen C3151077, MONDO:0013418, OMIM 613780.

Submission:

Labcorp Genetics (formerly Invitae), Labcorp
Classification: Uncertain significance for Aortic aneurysm, familial thoracic 7. Last evaluated: 2023-11-24. Review status: criteria provided, single submitter. Criteria: Invitae Variant Classification Sherloc (09022015). Collection method: clinical testing. Allele origin: germline.
Comment: This sequence change replaces alanine, which is neutral and non-polar, with aspartic acid, which is acidic and polar, at codon 743 of the MYLK protein (p.Ala743Asp). This variant is not present in population databases (gnomAD no frequency). This variant has not been reported in the literature in individuals affected with MYLK-related conditions. Advanced modeling of protein sequence and biophysical properties (such as structural, functional, and spatial information, amino acid conservation, physicochemical variation, residue mobility, and thermodynamic stability) performed at Invitae indicates that this missense variant is not expected to disrupt MYLK protein function with a negative predictive value of 80%. In summary, the available evidence is currently insufficient to determine the role of this variant in disease. Therefore, it has been classified as a Variant of Uncertain Significance.